The following is an entry in ClinVar:

NM_007050.6(PTPRT):c.4151G>A (p.Arg1384His)

Gene: PTPRT (protein tyrosine phosphatase receptor type T; minus strand). Cytogenetic location: 20q12.
Variant type: single nucleotide variant.
Coding change: c.4151G>A on transcript NM_007050.6 (MANE Select); coding-DNA position 4151, G replaced by A.
Protein change: p.Arg1384His; replaces arginine 1384 with histidine.
Molecular consequence: missense variant.
Genome position (GRCh38, 1-based): chr20:42,082,003, C>T on the plus strand (G>A on the coding strand, the complement: PTPRT is on the minus strand). VCF-style: chr20-42082003-C-T. GRCh37 (hg19) VCF-style: chr20-40710643-C-T.
Other names: c.4208G>A (NM_133170.3); c.4208G>A, p.Arg1403His (NM_001394024.1, NM_133170.4); c.4175G>A, p.Arg1392His (NM_001394025.1); short protein forms R1384H, R1392H, R1403H.
Identifiers: ClinVar variation 2652338 (VCV002652338.25), dbSNP rs151076965, ClinGen allele CA9863622.

ClinVar aggregate classification (germline): Likely benign. Review status: criteria provided, single submitter (1 of 4 stars). 2 submissions from 2 submitters: Likely benign (1). 1 of the submissions does not count toward it. Last evaluated 2022-11-01.

Conditions:
PTPRT-related disorder. Also called: PTPRT-related condition.

Allele frequency attached by ClinVar (database versions not stated): 1000 Genomes Project 30x 0.00187; 1000 Genomes Project 0.00220; TOPMed 0.00255; ESP Exome Variant Server 0.00381; gnomAD 0.00439; gnomAD exomes 0.00477; ExAC 0.00717.
gnomAD v4.1: 7,606 of 1,614,206 alleles (0.47%); highest among the groups gnomAD compares: Non-Finnish European, 0.47%; 46 homozygotes.

Submissions (2):

CeGaT Center for Human Genetics Tuebingen
Classification: Likely benign. Last evaluated: 2022-11-01. Review status: criteria provided, single submitter. Criteria: CeGaT Center For Human Genetics Tuebingen Variant Classification Criteria Version 2. Collection method: clinical testing. Allele origin: germline. Affected: yes. Observed: 1 variant allele.
Comment: PTPRT: PP2, BS2

PreventionGenetics, part of Exact Sciences
Classification: Benign for PTPRT-related condition. Last evaluated: 2019-03-22. Review status: no assertion criteria provided. Collection method: clinical testing. Allele origin: germline. Not counted in ClinVar's aggregate classification.
Comment: This variant is classified as benign based on ACMG/AMP sequence variant interpretation guidelines (Richards et al. 2015 PMID: 25741868, with internal and published modifications).